The following is an entry in ClinVar:

ClinVar aggregate classification (germline): Uncertain significance (1 of 4 stars; one submission).

Conditions:
Cardiovascular phenotype. Identifiers: MedGen CN230736.

Submission:

Ambry Genetics
Classification: Uncertain significance for Cardiovascular phenotype. Last evaluated: 2024-03-21. Review status: criteria provided, single submitter. Criteria: Ambry Variant Classification Scheme 2023. Collection method: clinical testing. Allele origin: germline.
Comment: The p.L3239R variant (also known as c.9716T>G), located in coding exon 68 of the RYR2 gene, results from a T to G substitution at nucleotide position 9716. The leucine at codon 3239 is replaced by arginine, an amino acid with dissimilar properties. This amino acid position is highly conserved in available vertebrate species. In addition, this alteration is predicted to be deleterious by in silico analysis. Based on the available evidence, the clinical significance of this alteration remains unclear.

NM_001035.3(RYR2):c.9716T>G (p.Leu3239Arg)

Gene: RYR2 (ryanodine receptor 2; plus strand). Cytogenetic location: 1q43.
Variant type: single nucleotide variant.
Coding change: c.9716T>G on transcript NM_001035.3 (MANE Select); coding-DNA position 9716, T replaced by G.
Protein change: p.Leu3239Arg; replaces leucine 3239 with arginine.
Molecular consequence: missense variant.
Genome position (GRCh38, 1-based): chr1:237,707,084, T>G. VCF-style: chr1-237707084-T-G. GRCh37 (hg19) VCF-style: chr1-237870384-T-G.
Other names: short protein forms L3239R.
Identifiers: ClinVar variation 3315879 (VCV003315879.1).